The following is an entry in ClinVar:

ClinVar aggregate classification (germline): Conflicting classifications of pathogenicity. Review status: criteria provided, conflicting classifications (1 of 4 stars). 6 submissions from 6 submitters: Uncertain significance (4); Benign (1); Likely benign (1). Last evaluated 2025-11-10.

Allele frequency attached by ClinVar (database versions not stated): 1000 Genomes Project 30x 0.00016; 1000 Genomes Project 0.00020; ESP Exome Variant Server 0.00022; ExAC 0.00031; gnomAD exomes 0.00045; TOPMed 0.00049; gnomAD 0.00054 and 0.00058.
gnomAD v4.1: 1,146 of 1,545,744 alleles (0.074%); highest among the groups gnomAD compares: Non-Finnish European, 0.092%; 1 homozygote.

Submissions (6):

Labcorp Genetics (formerly Invitae), Labcorp
Classification: Benign. Last evaluated: 2025-11-10. Review status: criteria provided, single submitter. Criteria: Invitae Variant Classification Sherloc (09022015). Collection method: clinical testing. Allele origin: germline.

Center for Genomic Medicine, Rigshospitalet, Copenhagen University Hospital
Classification: Uncertain significance. Last evaluated: 2025-03-04. Review status: criteria provided, single submitter. Criteria: ACMG Guidelines, 2015. Collection method: clinical testing. Allele origin: germline.

Mayo Clinic Laboratories, Mayo Clinic
Classification: Uncertain significance. Last evaluated: 2024-09-13. Review status: criteria provided, single submitter. Criteria: ACMG Guidelines, 2015. Collection method: clinical testing. Allele origin: germline. Observed: 2 variant alleles.
Comment: PS3

ARUP Laboratories, Molecular Genetics and Genomics, ARUP Laboratories
Classification: Uncertain significance. Last evaluated: 2023-10-19. Review status: criteria provided, single submitter. Criteria: ARUP Molecular Germline Variant Investigation Process 2024. Collection method: clinical testing. Allele origin: germline.
Comment: The PIEZO1 c.6905G>A; p.Arg2302His variant (rs200555745), also reported as c.6905G>A;p.Arg2303His, is found in the literature in one individual that presented with transfusion dependent anemia, who also carried the beta-globin-Cincinnati allele (Glogowska 2017). This variant has also been identified as part of a transheterozygous combination with additional uncertain variants in cases of hydrops fetalis (Al-Kouatly 2021), and skeletal dysplasia (Tolusso 2021). In vitro functional analyses demonstrate conflicting results with one study showing delayed PIEZO1 channel inactivation (Romero 2019), while another study showed normal channel inactivation (Glogowska 2017). This variant is also reported in ClinVar (Variation ID: 440064). This variant is found predominantly in the non-Finnish European population with an allele frequency of 0.09% (66/73,106 alleles) in the Genome Aggregation Database. Computational analyses are uncertain whether this variant is neutral or deleterious (REVEL: 0.487). Due to limited information, the clinical significance of this variant is uncertain at this time. References: Al-Kouatly HB et al. High diagnosis rate for nonimmune hydrops fetalis with prenatal clinical exome from the Hydrops-Yielding Diagnostic Results of Prenatal Sequencing (HYDROPS) Study. Genet Med. 2021 Jul;23(7):1325-1333. PMID: 33686258. Glogowska E et al. Novel mechanisms of PIEZO1 dysfunction in hereditary xerocytosis. Blood. 2017 Oct 19;130(16):1845-1856. PMID: 28716860 Romero LO et al. Dietary fatty acids fine-tune Piezo1 mechanical response. Nat Commun. 2019 Mar 13;10(1):1200. PMID: 30867417 Tolusso LK, Hazelton P, Wong B, Swarr DT. Beyond diagnostic yield: prenatal exome sequencing results in maternal, neonatal, and familial clinical management changes. Genet Med. 2021 May;23(5):909-917. PMID: 33442022 28716860

Revvity Omics, Revvity
Classification: Likely benign. Last evaluated: 2023-06-21. Review status: criteria provided, single submitter. Criteria: ACMG Guidelines, 2015. Collection method: clinical testing. Allele origin: germline.

GeneDx
Classification: Uncertain significance. Last evaluated: 2019-09-06. Review status: criteria provided, single submitter. Criteria: GeneDx Variant Classification Process June 2021. Collection method: clinical testing. Allele origin: germline. Affected: yes.
Comment: Published functional studies demonstrate a damaging effect (Glogowska et al., 2017); In silico analysis, which includes protein predictors and evolutionary conservation, supports a deleterious effect; This variant is associated with the following publications: (PMID: 30867417, 28716860)

Literature cited by the submitters: PubMed 28716860 (cited by Center for Genomic Medicine, Rigshospitalet, Copenhagen University Hospital).

NM_001142864.4(PIEZO1):c.6905G>A (p.Arg2302His)

Gene: PIEZO1 (piezo type mechanosensitive ion channel component 1 (Er blood group); minus strand). Cytogenetic location: 16q24.3.
Variant type: single nucleotide variant.
Coding change: c.6905G>A on transcript NM_001142864.4 (MANE Select); coding-DNA position 6905, G replaced by A.
Protein change: p.Arg2302His; replaces arginine 2302 with histidine.
Molecular consequence: missense variant.
Genome position (GRCh38, 1-based): chr16:88,716,580, C>T on the plus strand (G>A on the coding strand, the complement: PIEZO1 is on the minus strand). VCF-style: chr16-88716580-C-T. GRCh37 (hg19) VCF-style: chr16-88782988-C-T.
Other names: c.6905G>A, p.Arg2302His (LRG_1137t1); short protein forms R2302H.
Identifiers: ClinVar variation 440064 (VCV000440064.21), dbSNP rs200555745, ClinGen allele CA8231460.
Genomic context (GRCh38, chr16:88,716,580, plus strand): 5'-GTCCACCCACCCAGGCACTGCCCCAAGTCCAGGACGAACCTCTGGAAGTTCCAGGTGAAG[C>T]GCAGGGTGATGTCGGCCGTGCCGTTGTAGAGCTCCCGCTTCATCTGGGCACGGCTGGGGG-3'
Protein context (NP_001136336.2, residues 2292-2312): LYNGTADITL[Arg2302His]FTWNFQRDLA